The following is an entry in ClinVar:

NM_000540.3(RYR1):c.11708G>C (p.Arg3903Pro)

Gene: RYR1 (ryanodine receptor 1; plus strand). Cytogenetic location: 19q13.2.
Variant type: single nucleotide variant.
Coding change: c.11708G>C on transcript NM_000540.3 (MANE Select); coding-DNA position 11708, G replaced by C.
Protein change: p.Arg3903Pro; replaces arginine 3903 with proline.
Molecular consequence: missense variant.
Genome position (GRCh38, 1-based): chr19:38,543,365, G>C. VCF-style: chr19-38543365-G-C. GRCh37 (hg19) VCF-style: chr19-39034005-G-C.
Other names: c.11693G>C, p.Arg3898Pro (NM_001042723.2); short protein forms R3898P, R3903P.
Identifiers: ClinVar variation 3073277 (VCV003073277.1), dbSNP rs148399313, ClinGen allele CA405661141.
Genomic context (GRCh38, chr19:38,543,365, plus strand): 5'-GCACATGGGAGGTGCTGGATAAATGACTTTTCATCTCCCCAGATTTCCAGAACTACCTAC[G>C]GACACAGACAGGGAACACGACCACTATTAACATCATCATTTGCACTGTGGACTACCTCCT-3'
Protein context (NP_000531.2, residues 3893-3913): GHNNDFQNYL[Arg3903Pro]TQTGNTTTIN

ClinVar aggregate classification (germline): Uncertain significance (1 of 4 stars; one submission).

Conditions:
Malignant hyperthermia, susceptibility to, 1 (MHS1). Also called: Anesthesia related hyperthermia; Malignant hyperpyrexia; Fulminating hyperpyrexia; Pharmacogenic myopathy; RYR1-Related Malignant Hyperthermia Susceptibility; Malignant hyperthermia suceptibility 1. Identifiers: Orphanet 423, MedGen C2930980, MONDO:0007783, OMIM 145600.

Submission:

All of Us Research Program, National Institutes of Health
Classification: Uncertain significance for Malignant hyperthermia, susceptibility to, 1. Last evaluated: 2023-09-04. Review status: criteria provided, single submitter. Criteria: ACMG Guidelines, 2015. Collection method: clinical testing. Allele origin: germline. Inheritance: Autosomal dominant inheritance. Observed: 1 variant allele, 1 heterozygote.
Comment: This missense variant replaces arginine with proline at codon 3903 of the RYR1 protein. Computational prediction suggests that this variant may have deleterious impact on protein structure and function (internally defined REVEL score threshold >= 0.7, PMID: 27666373). To our knowledge, functional studies have not been reported for this variant. This variant has not been reported in individuals affected with RYR1-related disorders in the literature. This variant has not been identified in the general population by the Genome Aggregation Database (gnomAD). A different missense variant occurring at the same codon, p.Arg3903Gln, is known to cause disease (ClinVar variation ID: 133017), indicating that arginine at this position is important for RYR1 protein function. Although there is a suspicion for a pathogenic role, the role of p.Arg3903Pro variant in disease cannot be determined conclusively due to the lack of data specific for the variant. Therefore, this variant is classified as a Variant of Uncertain Significance.

This study involves interpretation of variants in research participants for the purpose of population health screening. Participant phenotype was not available at the time of variant classification. Additional details can be found in publication PMID: 35346344, PMCID: PMC8962531